The following is an entry in ClinVar:

NM_176869.3(PPA2):c.50G>A (p.Cys17Tyr)

Gene: PPA2 (inorganic pyrophosphatase 2; minus strand). Cytogenetic location: 4q24.
Variant type: single nucleotide variant.
Coding change: c.50G>A on transcript NM_176869.3 (MANE Select); coding-DNA position 50, G replaced by A.
Protein change: p.Cys17Tyr; replaces cysteine 17 with tyrosine.
Molecular consequence: missense variant.
Genome position (GRCh38, 1-based): chr4:105,474,001, C>T on the plus strand (G>A on the coding strand, the complement: PPA2 is on the minus strand). VCF-style: chr4-105474001-C-T. GRCh37 (hg19) VCF-style: chr4-106395158-C-T.
Other names: c.50G>A, p.Cys17Tyr (NM_006903.4, NM_176866.2, NM_176867.3); short protein forms C17Y.
Identifiers: ClinVar variation 1353221 (VCV001353221.4), dbSNP rs570210364, ClinGen allele CA3032864.

ClinVar aggregate classification (germline): Uncertain significance (1 of 4 stars; one submission).

Allele frequency attached by ClinVar (database versions not stated): gnomAD exomes 0.00001; gnomAD 0.00002 and 0.00003; TOPMed 0.00002; ExAC 0.00004; 1000 Genomes Project 30x 0.00016; 1000 Genomes Project 0.00020.
gnomAD v4.1: 6 of 1,606,214 alleles (0.00037%); highest among the groups gnomAD compares: African/African-American, 0.0067%; no homozygotes.

Submission:

Labcorp Genetics (formerly Invitae), Labcorp
Classification: Uncertain significance. Last evaluated: 2021-08-30. Review status: criteria provided, single submitter. Criteria: Invitae Variant Classification Sherloc (09022015). Collection method: clinical testing. Allele origin: germline.
Comment: This variant has not been reported in the literature in individuals affected with PPA2-related conditions. In summary, the available evidence is currently insufficient to determine the role of this variant in disease. Therefore, it has been classified as a Variant of Uncertain Significance. Algorithms developed to predict the effect of missense changes on protein structure and function are either unavailable or do not agree on the potential impact of this missense change (SIFT: "Deleterious"; PolyPhen-2: "Benign"; Align-GVGD: "Class C0"). This variant is present in population databases (rs570210364, ExAC 0.06%). This sequence change replaces cysteine with tyrosine at codon 17 of the PPA2 protein (p.Cys17Tyr). The cysteine residue is weakly conserved and there is a large physicochemical difference between cysteine and tyrosine.